The following is an entry in ClinVar:

ClinVar aggregate classification (germline): Likely benign. Review status: reviewed by expert panel (3 of 4 stars). 5 submissions from 5 submitters: Likely benign (1). 4 of the submissions do not count toward it. Last evaluated 2023-01-12.

Conditions:
Monogenic diabetes. Identifiers: Orphanet 183625, MedGen C3888631, MONDO:0015967.
Maturity-onset diabetes of the young (MODY). Also called: Maturity onset diabetes mellitus in young. Identifiers: Orphanet 552, MedGen C0342276, MONDO:0018911, HP:0004904.

Allele frequency attached by ClinVar (database versions not stated): gnomAD exomes 0.00003; TOPMed 0.00003; gnomAD 0.00003; ExAC 0.00005; ESP Exome Variant Server 0.00015.
gnomAD v4.1: 51 of 1,613,938 alleles (0.0032%); highest among the groups gnomAD compares: Middle Eastern, 0.033%; no homozygotes.

Submissions (5):

ClinGen Monogenic Diabetes Variant Curation Expert Panel
Classification: Likely benign for Monogenic diabetes. Last evaluated: 2023-01-12. Review status: reviewed by expert panel. Criteria: MDEP HNF4A Specificiations 1.0.0. Collection method: curation. Allele origin: germline. Inheritance: Autosomal dominant inheritance.
Comment: The c.1017C>T variant in the hepatocyte nuclear factor 4 alpha gene, HNF4A, is a synonymous (silent) variant at codon 339 (p.(Phe339=)) of NM_175914.5. This variant is not predicted by SpliceAI to impact splicing (SpliceAI scores less than the MDEP cutoff of 0.2) and is not highly conserved (phyloP100way score of -3.055, which is below the MDEP cutoff of 2.0) (BP4, BP7). The Popmax frequency of the c. 1017C>T variant in gnomAD v2.1.1 is 0.00002141, which falls between ClinGen MDEP-established cutoffs for PM2_Supporting and BS1; thus, neither criterion will be applied. In summary, c. 1017C>T meets the criteria to be classified as likely benign for monogenic diabetes. ACMG/AMP criteria applied, as specified by the ClinGen MDEP VCEP (specification version 1.0.0, approved 11/16/22): BS2, BP4, BP7.

Labcorp Genetics (formerly Invitae), Labcorp
Classification: Likely benign. Last evaluated: 2024-07-27. Review status: criteria provided, single submitter. Criteria: Invitae Variant Classification Sherloc (09022015). Collection method: clinical testing. Allele origin: germline. Not counted in ClinVar's aggregate classification.

GeneDx
Classification: Likely benign. Last evaluated: 2020-05-06. Review status: criteria provided, single submitter. Criteria: GeneDx Variant Classification Process June 2021. Collection method: clinical testing. Allele origin: germline. Affected: yes. Not counted in ClinVar's aggregate classification.

Athena Diagnostics
Classification: Benign. Last evaluated: 2017-12-30. Review status: criteria provided, single submitter. Criteria: Athena Diagnostics Criteria. Collection method: clinical testing. Allele origin: germline. Not counted in ClinVar's aggregate classification.

Clinical Genomics, Uppaluri K&H Personalized Medicine Clinic
Classification: Benign for Maturity-onset diabetes of the young. Review status: criteria provided, single submitter. Criteria: K & H Uppaluri Personalized Medicine Clinic Variant Classification & Assertion Criteria_Updated V.1. Collection method: research. Allele origin: unknown. Inheritance: Autosomal dominant inheritance. Not counted in ClinVar's aggregate classification.
Comment: Potent mutations in HNF4A are associated with poor insulin secretion in response to hyperglycemia. Associated with MODY1. Patients initially respond well to sulfonylureas but eventually become insulin dependent. However, more evidence is required to ascertain the role of this particular variant rs142268325 in MODY, yet.

Literature cited by the submitters: DOI 10.1159/000334532 (cited by Clinical Genomics, Uppaluri K&H Personalized Medicine Clinic); PubMed 18268044 (cited by Clinical Genomics, Uppaluri K&H Personalized Medicine Clinic); PubMed 17563455 (cited by Clinical Genomics, Uppaluri K&H Personalized Medicine Clinic); PubMed 32583173 (cited by Clinical Genomics, Uppaluri K&H Personalized Medicine Clinic); PubMed 35052457 (cited by Clinical Genomics, Uppaluri K&H Personalized Medicine Clinic); PubMed 35118593 (cited by Clinical Genomics, Uppaluri K&H Personalized Medicine Clinic).

NM_175914.5(HNF4A):c.1017C>T (p.Phe339=)

Gene: HNF4A (hepatocyte nuclear factor 4 alpha; plus strand). Cytogenetic location: 20q13.12.
Variant type: single nucleotide variant.
Coding change: c.1017C>T on transcript NM_175914.5 (MANE Select); coding-DNA position 1017, C replaced by T.
Protein change: p.Phe339=; no amino-acid change (phenylalanine 339 retained).
Molecular consequence: synonymous variant.
Genome position (GRCh38, 1-based): chr20:44,424,208, C>T. VCF-style: chr20-44424208-C-T. GRCh37 (hg19) VCF-style: chr20-43052848-C-T.
Other names: NM_175914.5(HNF4A):c.1017C>T; p.Phe339=; c.1083C>T, p.Phe361= (NM_000457.6, NM_178849.3, NM_178850.3); c.1017C>T, p.Phe339= (NM_001030003.3, NM_001030004.3); c.1062C>T, p.Phe354= (NM_001258355.2); c.1008C>T, p.Phe336= (NM_001287182.2, NM_001287183.2, NM_001287184.2).
Identifiers: ClinVar variation 586010 (VCV000586010.11), dbSNP rs142268325, ClinGen allele CA9870428.